The following is an entry in ClinVar:

ClinVar aggregate classification (germline): Pathogenic/Likely pathogenic. Review status: criteria provided, multiple submitters, no conflicts (2 of 4 stars). 10 submissions from 10 submitters: Pathogenic (5); Likely pathogenic (2). 3 of the submissions do not count toward it. Last evaluated 2025-12-22.

Conditions:
KCNQ3-related disorder. Also called: KCNQ3-related condition; KCNQ3-Related Disorders. Identifiers: MedGen CN381530.
Benign neonatal seizures. Also called: Convulsions benign familial neonatal dominant form; Autosomal dominant form of benign neonatal seizures; Benign familial neonatal epilepsy; Benign familial neonatal seizures; Benign neonatal familial convulsions. Identifiers: Orphanet 1949, MedGen C0220669, MONDO:0016027.
Seizures, benign familial neonatal, 2. Also called: CONVULSIONS, BENIGN FAMILIAL NEONATAL, 2; Seizures, benign neonatal, 2; Benign Neonatal Epilepsy 2; KCNQ3-Related Self-Limited Familial Neonatal Epilepsy (SLFNE); KCNQ3-Related Benign Familial Neonatal Epilepsy. Identifiers: Orphanet 1949, MedGen C1852581, MONDO:0007366, OMIM 121201.

Allele frequency attached by ClinVar (database versions not stated): gnomAD exomes below 0.00001.
gnomAD v4.1: 2 of 1,552,272 alleles (0.00013%); highest among the groups gnomAD compares: Non-Finnish European, 0.00017%; no homozygotes.

Submissions (10):

Institute of Human Genetics, University of Leipzig Medical Center
Classification: Pathogenic for Seizures, benign familial neonatal, 2. Last evaluated: 2025-12-22. Review status: criteria provided, single submitter. Criteria: ACMG Guidelines, 2015. Collection method: clinical testing. Allele origin: unknown. Inheritance: Autosomal dominant inheritance. Affected: yes.
Comment: Criteria applied: PS4,PM5_STR,PM1,PM2_SUP,PP3

Variantyx, Inc.
Classification: Likely pathogenic for Seizures, benign familial neonatal, 2. Last evaluated: 2025-11-24. Review status: criteria provided, single submitter. Criteria: Variantyx Assertion Criteria 2022. Collection method: clinical testing. Allele origin: germline. Inheritance: Autosomal recessive inheritance. Affected: yes.
Comment: This is a nonsynonymous variant in the KCNQ3 gene (OMIM: 602232). Pathogenic variants in this gene have been associated with autosomal dominant KCNQ3-related seizure disorders. This variant has been reported in at least 4 unrelated affected individuals (PMID: 23146207, 25524373, 34474328, 37596007) (PS4_Moderate) and has been observed to segregate with disease in at least 3 individuals from 3 families (PMID: 23146207, 25524373, 37596007) (PP1). Alternate amino acid changes at this position (p.Arg330His, p.Arg330Leu) have been previously reported in similarly affected individuals, which suggests that this residue is biologically important (PMID: 25052858) (PM5). Functional studies have shown that this variant alters KCNQ3 protein function (PMID: 25524373) (PS3_Moderate) and multiple computational algorithms predict a deleterious effect for this variant (REVEL score: 0.973) (PP3). This variant has a 0.0002% maximum allele frequency in non-founder control populations (PM2). Based on the current evidence, this variant is classified as likely pathogenic for autosomal dominant KCNQ3-related seizure disorders.

GeneDx
Classification: Pathogenic. Last evaluated: 2023-12-20. Review status: criteria provided, single submitter. Criteria: GeneDx Variant Classification Process June 2021. Collection method: clinical testing. Allele origin: germline.
Comment: Published functional studies demonstrate abnormal channel function (PMID: 25524373); In silico analysis supports that this missense variant has a deleterious effect on protein structure/function; Not observed at significant frequency in large population cohorts (gnomAD); This variant is associated with the following publications: (PMID: 23146207, 35627257, 34474328, 28717674, 16883520, 37596007, 31440721, 25524373, 34136434, 18249525)

Labcorp Genetics (formerly Invitae), Labcorp
Classification: Pathogenic for Benign neonatal seizures. Last evaluated: 2023-05-15. Review status: criteria provided, single submitter. Criteria: Invitae Variant Classification Sherloc (09022015). Collection method: clinical testing. Allele origin: germline.
Comment: This variant is not present in population databases (gnomAD no frequency). For these reasons, this variant has been classified as Pathogenic. Advanced modeling of protein sequence and biophysical properties (such as structural, functional, and spatial information, amino acid conservation, physicochemical variation, residue mobility, and thermodynamic stability) has been performed at Invitae for this missense variant, however the output from this modeling did not meet the statistical confidence thresholds required to predict the impact of this variant on KCNQ3 protein function. ClinVar contains an entry for this variant (Variation ID: 21417). This missense change has been observed in individuals with benign familial neonatal seizures (PMID: 18249525, 23146207). It has also been observed to segregate with disease in related individuals. This sequence change replaces arginine, which is basic and polar, with cysteine, which is neutral and slightly polar, at codon 330 of the KCNQ3 protein (p.Arg330Cys).

Blueprint Genetics
Classification: Pathogenic for KCNQ3-related disorders. Last evaluated: 2022-02-24. Review status: criteria provided, single submitter. Criteria: ACMG Guidelines, 2015. Collection method: clinical testing. Allele origin: germline. Affected: yes. Observed: 3 variant alleles.

3billion
Classification: Likely pathogenic for Seizures, benign familial neonatal, 2. Last evaluated: 2021-10-02. Review status: criteria provided, single submitter. Criteria: ACMG Guidelines, 2015. Collection method: clinical testing. Allele origin: unknown. Affected: yes. Observed: 1 heterozygote.
Comment: Same nucleotide change resulting in same amino acid change has been previously reported as pathogenic/likely pathogenic with strong evidence (PMID: 23146207, PS1). It is not observed in the gnomAD v2.1.1 dataset (PM2). In silico tool predictions suggest damaging effect of the variant on gene or gene product (REVEL: 0.973, 3Cnet: 0.981, PP3). Therefore, this variant is classified as likely pathogenic according to the recommendation of ACMG/AMP guideline.

Genome Diagnostics Laboratory, University Medical Center Utrecht
Classification: Pathogenic for Seizures, benign familial neonatal, 2. Last evaluated: 2014-10-08. Review status: criteria provided, single submitter. Criteria: ACGS Guidelines, 2013. Collection method: clinical testing. Allele origin: germline. Affected: yes. Study: VKGL Data-share Consensus.

OMIM
Classification: Pathogenic for SEIZURES, BENIGN FAMILIAL NEONATAL, 2. Last evaluated: 2013-05-01. Review status: no assertion criteria provided. Collection method: literature only. Allele origin: germline. Not counted in ClinVar's aggregate classification.

Diagnostic Laboratory, Department of Genetics, University Medical Center Groningen
Classification: Pathogenic for Seizures, benign familial neonatal, 2. Review status: no assertion criteria provided. Collection method: clinical testing. Allele origin: germline. Affected: yes. Study: VKGL Data-share Consensus. Not counted in ClinVar's aggregate classification.

GeneReviews
No classification provided. Condition: Seizures, benign familial neonatal, 2. Review status: no classification provided. Collection method: literature only. Allele origin: germline. Not counted in ClinVar's aggregate classification.
Comment: Same variant detected in 2 unrelated families

Literature cited by the submitters: PubMed 25052858 (cited by Variantyx, Inc.); PubMed 23146207 (cited by 4 submitters); PubMed 25524373 (cited by Variantyx, Inc. and GeneReviews); PubMed 37596007 (cited by Variantyx, Inc.); PubMed 34474328 (cited by Variantyx, Inc.); PubMed 34136434 (cited by Variantyx, Inc.); PubMed 18249525 (cited by 3 submitters); NCBI Bookshelf NBK201978 (cited by GeneReviews); PubMed 16883520 (cited by GeneReviews).

NM_004519.4(KCNQ3):c.988C>T (p.Arg330Cys)

Gene: KCNQ3 (potassium voltage-gated channel subfamily Q member 3; minus strand). Cytogenetic location: 8q24.22.
Variant type: single nucleotide variant.
Coding change: c.988C>T on transcript NM_004519.4 (MANE Select); coding-DNA position 988, C replaced by T.
Protein change: p.Arg330Cys; replaces arginine 330 with cysteine.
Molecular consequence: missense variant.
Genome position (GRCh38, 1-based): chr8:132,174,295, G>A on the plus strand (C>T on the coding strand, the complement: KCNQ3 is on the minus strand). VCF-style: chr8-132174295-G-A. GRCh37 (hg19) VCF-style: chr8-133186542-G-A.
Other names: c.628C>T, p.Arg210Cys (NM_001204824.2); short protein forms R330C, R210C.
Identifiers: ClinVar variation 21417 (VCV000021417.17), dbSNP rs118192251, ClinGen allele CA342043.